The following is an entry in ClinVar:

NM_018043.7(ANO1):c.1779C>T (p.Ile593=)

Gene: ANO1 (anoctamin 1; plus strand). Cytogenetic location: 11q13.3.
Variant type: single nucleotide variant.
Coding change: c.1779C>T on transcript NM_018043.7 (MANE Select); coding-DNA position 1779, C replaced by T.
Protein change: p.Ile593=; no amino-acid change (isoleucine 593 retained).
Molecular consequence: synonymous variant. On other transcripts: non-coding transcript variant (1).
Genome position (GRCh38, 1-based): chr11:70,161,361, C>T. VCF-style: chr11-70161361-C-T. GRCh37 (hg19) VCF-style: chr11-70007467-C-T.
Other names: c.1968C>T, p.Ile656= (NM_001378092.1); c.1767C>T, p.Ile589= (NM_001378093.1, NM_001378094.2, NM_001378095.2); c.1689C>T, p.Ile563= (NM_001378096.2); c.1602C>T, p.Ile534= (NM_001378097.2).
Identifiers: ClinVar variation 3898319 (VCV003898319.7).

ClinVar aggregate classification (germline): Likely benign (1 of 4 stars; one submission).

gnomAD v4.1: 92 of 1,613,528 alleles (0.0057%); highest among the groups gnomAD compares: African/African-American, 0.024%; 1 homozygote.

Submission:

CeGaT Center for Human Genetics Tuebingen
Classification: Likely benign. Last evaluated: 2025-04-01. Review status: criteria provided, single submitter. Criteria: CeGaT Center For Human Genetics Tuebingen Variant Classification Criteria Version 2. Collection method: clinical testing. Allele origin: germline. Affected: yes. Observed: 1 variant allele.
Comment: ANO1: BP4, BP7